The following is an entry in ClinVar:

ClinVar aggregate classification (germline): Uncertain significance (1 of 4 stars; one submission).

Conditions:
Inborn genetic diseases. Identifiers: MedGen C0950123, MeSH D030342.

Submission:

Ambry Genetics
Classification: Uncertain significance for Inborn genetic diseases. Last evaluated: 2021-12-16. Review status: criteria provided, single submitter. Criteria: Ambry Variant Classification Scheme 2023. Collection method: clinical testing. Allele origin: germline.
Comment: The p.E658A variant (also known as c.1973A>C), located in coding exon 4 of the NEFH gene, results from an A to C substitution at nucleotide position 1973. The glutamic acid at codon 658 is replaced by alanine, an amino acid with dissimilar properties. This amino acid position is conserved. In addition, this alteration is predicted to be tolerated by in silico analysis. Since supporting evidence is limited at this time, the clinical significance of this alteration remains unclear.

NM_021076.4(NEFH):c.1973A>C (p.Glu658Ala)

Gene: NEFH (neurofilament heavy chain; plus strand). Cytogenetic location: 22q12.2.
Variant type: single nucleotide variant.
Coding change: c.1973A>C on transcript NM_021076.4 (MANE Select); coding-DNA position 1973, A replaced by C.
Protein change: p.Glu658Ala; replaces glutamic acid 658 with alanine.
Molecular consequence: missense variant.
Genome position (GRCh38, 1-based): chr22:29,489,613, A>C. VCF-style: chr22-29489613-A-C. GRCh37 (hg19) VCF-style: chr22-29885602-A-C.
Other names: short protein forms E658A.
Identifiers: ClinVar variation 1783655 (VCV001783655.2), dbSNP rs1190871836, ClinGen allele CA411132928.